The following is an entry in ClinVar:

NM_007198.4(PLPBP):c.233C>G (p.Ser78Ter)

Gene: PLPBP (pyridoxal phosphate binding protein; plus strand). Cytogenetic location: 8p11.23.
Variant type: single nucleotide variant.
Coding change: c.233C>G on transcript NM_007198.4 (MANE Select); coding-DNA position 233, C replaced by G.
Protein change: p.Ser78Ter; replaces serine 78 with a stop codon.
Molecular consequence: nonsense.
Genome position (GRCh38, 1-based): chr8:37,765,736, C>G. VCF-style: chr8-37765736-C-G. GRCh37 (hg19) VCF-style: chr8-37623254-C-G.
Other names: c.233C>G, p.Ser78Ter (NM_001349346.2); c.227C>G, p.Ser76Ter (NM_001349347.2); c.77C>G, p.Ser26Ter (NM_001349348.2); c.338C>G, p.Ser113Ter (NM_001349349.1); short protein forms S78*, S113*, S26*, S76*.
Identifiers: ClinVar variation 374852 (VCV000374852.6), dbSNP rs1057519273, ClinGen allele CA16043940.
Genomic context (GRCh38, chr8:37,765,736, plus strand): 5'-CCAGGCTTCTGACTTGTTCTGTTTTGACCTTTTAGGTTCAGGAACTGCTAGAAAAAGCAT[C>G]AAATCCCAAAGTAAGTAGATAGCTGAATTCTTTAATTTGTATCTAAATCTTGGCTCTTTA-3'

ClinVar aggregate classification (germline): Pathogenic. Review status: criteria provided, single submitter (1 of 4 stars). 2 submissions from 2 submitters: Pathogenic (1). 1 of the submissions does not count toward it. Last evaluated 2018-05-08.

Conditions:
Epilepsy, early-onset, vitamin B6-dependent. Also called: PLPBP Deficiency; EPILEPSY, EARLY-ONSET, 1, VITAMIN B6-DEPENDENT. Identifiers: MedGen C4310632, MONDO:0015005, OMIM 617290.

Allele frequency attached by ClinVar (database versions not stated): gnomAD exomes below 0.00001.
gnomAD v4.1: 1 of 1,611,944 alleles (0.000062%); highest among the groups gnomAD compares: Middle Eastern, 0.017%; no homozygotes.

Submissions (2):

GeneDx
Classification: Pathogenic. Last evaluated: 2018-05-08. Review status: criteria provided, single submitter. Criteria: GeneDx Variant Classification (06012015). Collection method: clinical testing. Allele origin: germline. Affected: yes.
Comment: The S78X variant in the PROSC gene has been reported previously as homozygous in a family with vitamin B6-dependent epilepsy and heterozygotes were unaffected (Darin et al., 2016). This variant is predicted to cause loss of normal protein function either through protein truncation or nonsense-mediated mRNA decay. The S78X variant is not observed in large population cohorts (Lek et al., 2016). We interpret S78X as a pathogenic variant.

OMIM
Classification: Pathogenic for EPILEPSY, EARLY-ONSET, 1, VITAMIN B6-DEPENDENT. Last evaluated: 2023-08-14. Review status: no assertion criteria provided. Collection method: literature only. Allele origin: germline. Not counted in ClinVar's aggregate classification.

Literature cited by the submitters: PubMed 27912044 (cited by OMIM).